The following is an entry in ClinVar:

NM_000059.4(BRCA2):c.1685G>T (p.Ser562Ile)

Gene: BRCA2 (BRCA2 DNA repair associated; plus strand). Cytogenetic location: 13q13.1.
Variant type: single nucleotide variant.
Coding change: c.1685G>T on transcript NM_000059.4 (MANE Select); coding-DNA position 1685, G replaced by T.
Protein change: p.Ser562Ile; replaces serine 562 with isoleucine.
Molecular consequence: missense variant.
Genome position (GRCh38, 1-based): chr13:32,333,163, G>T. VCF-style: chr13-32333163-G-T. GRCh37 (hg19) VCF-style: chr13-32907300-G-T.
Other names: short protein forms S562I.
Identifiers: ClinVar variation 1016044 (VCV001016044.10), dbSNP rs2072419618, ClinGen allele CA387765162.

ClinVar aggregate classification (germline): Conflicting classifications of pathogenicity. Review status: criteria provided, conflicting classifications (1 of 4 stars). 2 submissions from 2 submitters: Uncertain significance (1); Likely benign (1). Last evaluated 2023-03-23.

Conditions:
Hereditary cancer-predisposing syndrome. Also called: Hereditary Cancer Syndrome; Tumor predisposition; Neoplastic Syndromes, Hereditary; Hereditary neoplastic syndrome. Identifiers: Orphanet 140162, MedGen C0027672, MeSH D009386, MONDO:0015356.
Hereditary breast ovarian cancer syndrome. Also called: Hereditary breast and ovarian cancer syndrome (HBOC); Hereditary breast and/or ovarian cancer syndrome; BRCA1- and BRCA2-Associated Hereditary Breast and Ovarian Cancer; Hereditary breast and ovarian cancer syndrome; Hereditary breast and ovarian cancer; Breast and ovarian cancer. Identifiers: Orphanet 145, MedGen C0677776, MeSH D061325, MONDO:0003582. Disease mechanism: loss of function.

Submissions (2):

University of Washington Department of Laboratory Medicine, University of Washington
Classification: Likely benign for Hereditary cancer-predisposing syndrome. Last evaluated: 2023-03-23. Review status: criteria provided, single submitter. Criteria: Dines et al. (Genet Med. 2020). Collection method: curation. Allele origin: germline.
Comment: Missense variant in a coldspot region where missense variants are very unlikely to be pathogenic (PMID:31911673).

BRCA2 exon 10 coldspot. Reclassification based on statistical prior probability.

Labcorp Genetics (formerly Invitae), Labcorp
Classification: Uncertain significance for Hereditary breast ovarian cancer syndrome. Last evaluated: 2020-07-22. Review status: criteria provided, single submitter. Criteria: Invitae Variant Classification Sherloc (09022015). Collection method: clinical testing. Allele origin: germline.
Comment: In summary, the available evidence is currently insufficient to determine the role of this variant in disease. Therefore, it has been classified as a Variant of Uncertain Significance. Advanced modeling of protein sequence and biophysical properties (such as structural, functional, and spatial information, amino acid conservation, physicochemical variation, residue mobility, and thermodynamic stability) performed at Invitae indicates that this missense variant is not expected to disrupt BRCA2 protein function. This variant has not been reported in the literature in individuals with BRCA2-related conditions. This variant is not present in population databases (ExAC no frequency). This sequence change replaces serine with isoleucine at codon 562 of the BRCA2 protein (p.Ser562Ile). The serine residue is moderately conserved and there is a large physicochemical difference between serine and isoleucine.